The following is an entry in ClinVar:

ClinVar aggregate classification (germline): Likely benign (1 of 4 stars; one submission).

Conditions:
Long QT syndrome (LQTS). Identifiers: MedGen C0023976, MeSH D008133, MONDO:0002442. Disease mechanism: loss of function. Inheritance: Various modes of inheritance.

Submission:

All of Us Research Program, National Institutes of Health
Classification: Likely benign for Long QT syndrome. Last evaluated: 2023-07-22. Review status: criteria provided, single submitter. Criteria: ACMG Guidelines, 2015. Collection method: clinical testing. Allele origin: germline. Inheritance: Autosomal dominant inheritance. Observed: 1 variant allele, 1 heterozygote.
Comment: This study involves interpretation of variants in research participants for the purpose of population health screening. Participant phenotype was not available at the time of variant classification. Additional details can be found in publication PMID: 35346344, PMCID: PMC8962531

NM_000238.4(KCNH2):c.2667G>A (p.Leu889=)

Gene: KCNH2 (potassium voltage-gated channel subfamily H member 2; minus strand). Cytogenetic location: 7q36.1.
Variant type: single nucleotide variant.
Coding change: c.2667G>A on transcript NM_000238.4 (MANE Select); coding-DNA position 2667, G replaced by A.
Protein change: p.Leu889=; no amino-acid change (leucine 889 retained).
Molecular consequence: synonymous variant. On other transcripts: non-coding transcript variant (2).
Genome position (GRCh38, 1-based): chr7:150,948,469, C>T on the plus strand (G>A on the coding strand, the complement: KCNH2 is on the minus strand). VCF-style: chr7-150948469-C-T. GRCh37 (hg19) VCF-style: chr7-150645557-C-T.
Other names: c.2379G>A, p.Leu793= (NM_001406753.1); c.1647G>A, p.Leu549= (NM_172057.3).
Identifiers: ClinVar variation 3072517 (VCV003072517.1), dbSNP rs1384913303, ClinGen allele CA458644981.